The following is an entry in ClinVar:

ClinVar aggregate classification (germline): Likely pathogenic (1 of 4 stars; one submission).

Conditions:
Trichorhinophalangeal dysplasia type I (TRPS1). Also called: TRICHORHINOPHALANGEAL SYNDROME, TYPE I; TRPS I. Identifiers: Orphanet 77258, MedGen C0432233, MONDO:0008596, OMIM 190350.

Submission:

Division of Clinical Genetics, Department of Pediatrics, Seoul National University Children's Hospital
Classification: Likely pathogenic for Trichorhinophalangeal dysplasia type I. Last evaluated: 2026-05-24. Review status: criteria provided, single submitter. Criteria: ACMG Guidelines, 2015. Collection method: clinical testing. Allele origin: germline. Affected: yes.
Comment: TRPS1 loss-of-function variants are an established cause of Trichorhinophalangeal syndrome, type I (TRPS1; OMIM #190350). The variant NM_014112.5:c.1702_1727del is located in exon 4 of TRPS1 and results in a frameshift, predicted to lead to nonsense-mediated mRNA decay or a truncated non-functional protein, qualifying as a null variant (PVS1). This variant is absent from the general population in gnomAD v4.1.1 (PM2). Based on these findings, this variant is classified as Likely Pathogenic according to the ACMG/AMP variant interpretation guidelines (Richards et al., 2015, PMID:25741868).

NM_014112.5(TRPS1):c.1702_1727del (p.Asn568fs)

Gene: TRPS1 (transcriptional repressor GATA binding 1; minus strand). Cytogenetic location: 8q23.3.
Variant type: Deletion.
Coding change: c.1702_1727del on transcript NM_014112.5 (MANE Select); coding-DNA positions 1702 to 1727, 26 bases deleted (AACATTCACAAGTGTACCATTAAACA).
Protein change: p.Asn568fs; shifts the reading frame from asparagine 568.
Molecular consequence: frameshift variant.
Genome position (GRCh38, 1-based): chr8:115,604,242-115,604,267, TGTTTAATGGTACACTTGTGAATGTT deleted on the plus strand (AACATTCACAAGTGTACCATTAAACA on the coding strand, the reverse complement: TRPS1 is on the minus strand). VCF-style (leftmost placement, unchanged base first): chr8-115604241-GTGTTTAATGGTACACTTGTGAATGTT-G. GRCh37 (hg19) VCF-style: chr8-116616468-GTGTTTAATGGTACACTTGTGAATGTT-G.
Other names: c.1675_1700del, p.Asn559fs (NM_001282902.3); c.1681_1706del, p.Asn561fs (NM_001282903.3); c.1663_1688del, p.Asn555fs (NM_001330599.2); short protein forms N555fs, N559fs, N561fs, N568fs.
Identifiers: ClinVar variation 4851504 (VCV004851504.1).